The following is an entry in ClinVar:

ClinVar aggregate classification (germline): Likely pathogenic. Review status: criteria provided, multiple submitters, no conflicts (2 of 4 stars). 3 submissions from 3 submitters: Likely pathogenic (2). 1 of the submissions does not count toward it. Last evaluated 2024-12-20.

Conditions:
HYCC1-related disorder. Also called: HYCC1-related condition.
Hypomyelination and Congenital Cataract (HLD5). Also called: hypomyelinating leukodystrophy 5. Identifiers: Orphanet 85163, MedGen C1864663, MONDO:0012514, OMIM 610532.

Submissions (3):

PreventionGenetics, part of Exact Sciences
Classification: Likely pathogenic for HYCC1-related condition. Last evaluated: 2024-12-20. Review status: criteria provided, single submitter. Criteria: ACMG Guidelines, 2015. Collection method: clinical testing. Allele origin: germline.
Comment: The HYCC1 c.229C>T variant is predicted to result in premature protein termination (p.Gln77*). To our knowledge, this variant has not been reported in the literature or in a large population database (gnomAD), indicating this variant is rare. Nonsense variants in HYCC1 are expected to be pathogenic. This variant is interpreted as likely pathogenic.

GeneDx
Classification: Likely pathogenic. Last evaluated: 2017-05-18. Review status: criteria provided, single submitter. Criteria: GeneDx Variant Classification (06012015). Collection method: clinical testing. Allele origin: germline. Affected: yes.
Comment: The Q77X variant in the FAM126A gene has not been reported previously as a pathogenic variant nor as a benign variant, to our knowledge. This variant is predicted to cause loss of normal protein function either through protein truncation or nonsense-mediated mRNA decay. The Q77X variant is not observed in large population cohorts (Lek et al., 2016; 1000 Genomes Consortium et al., 2015; Exome Variant Server). We interpret Q77X as a likely pathogenic variant.

Next Generation Genetic Polyclinic
Classification: Pathogenic for Hypomyelination and Congenital Cataract. Review status: no assertion criteria provided. Collection method: clinical testing. Allele origin: inherited. Affected: yes. Not counted in ClinVar's aggregate classification.

NM_032581.4(HYCC1):c.229C>T (p.Gln77Ter)

Gene: HYCC1 (hyccin PI4KA lipid kinase complex subunit 1; minus strand). Cytogenetic location: 7p15.3.
Variant type: single nucleotide variant.
Coding change: c.229C>T on transcript NM_032581.4 (MANE Select); coding-DNA position 229, C replaced by T.
Protein change: p.Gln77Ter; replaces glutamine 77 with a stop codon.
Molecular consequence: nonsense.
Genome position (GRCh38, 1-based): chr7:22,978,373, G>A on the plus strand (C>T on the coding strand, the complement: HYCC1 is on the minus strand). VCF-style: chr7-22978373-G-A. GRCh37 (hg19) VCF-style: chr7-23017992-G-A.
Other names: c.229C>T, p.Gln77Ter (NM_001363466.2, NM_001363467.2); short protein forms Q77*.
Identifiers: ClinVar variation 430054 (VCV000430054.5), dbSNP rs1131691757, ClinGen allele CA366976792.